The following is an entry in ClinVar:

ClinVar aggregate classification (germline): Uncertain significance. Review status: criteria provided, multiple submitters, no conflicts (2 of 4 stars). 5 submissions from 5 submitters: Uncertain significance (4). 1 of the submissions does not count toward it. Last evaluated 2025-11-27.

Conditions:
Cardiovascular phenotype. Identifiers: MedGen CN230736.
Walker-Warburg congenital muscular dystrophy. Also called: Muscular dystrophy-dystroglycanopathy, type A; Walker-Warburg syndrome. Identifiers: Orphanet 899, MedGen C0265221, MONDO:0000171.
Muscular dystrophy-dystroglycanopathy type B5 (MDDGB5). Also called: MUSCULAR DYSTROPHY, CONGENITAL, 1C; MUSCULAR DYSTROPHY, CONGENITAL, FKRP-RELATED; MUSCULAR DYSTROPHY-DYSTROGLYCANOPATHY (CONGENITAL WITH OR WITHOUT IMPAIRED INTELLECTUAL DEVELOPMENT), TYPE B, 5. Identifiers: MedGen C1847759, MONDO:0011688, OMIM 606612.
Autosomal recessive limb-girdle muscular dystrophy type 2I. Also called: MUSCULAR DYSTROPHY-DYSTROGLYCANOPATHY, LIMB-GIRDLE, FRKP-RELATED; MUSCULAR DYSTROPHY, LIMB-GIRDLE, TYPE 2I; MUSCULAR DYSTROPHY-DYSTROGLYCANOPATHY (LIMB-GIRDLE), TYPE C, 5. Identifiers: Orphanet 34515, MedGen C1846672, MONDO:0011787, OMIM 607155.
Muscular dystrophy-dystroglycanopathy (congenital with brain and eye anomalies), type A1 (MDDGA1). Also called: Muscular dystrophy-dystroglycanopathy (congenital with brain and eye anomalies), type A, 1; COD-MD SYNDROME; WALKER-WARBURG SYNDROME OR MUSCLE-EYE-BRAIN DISEASE, POMT1-RELATED; Hydrocephalus, agyria and retinal dysplasia; Hard +/- E syndrome; Warburg syndrome. Identifiers: Orphanet 588, Orphanet 899, MedGen C4284790, MONDO:0009364, OMIM 236670.
Muscular dystrophy-dystroglycanopathy (congenital with brain and eye anomalies), type A5. Also called: WALKER-WARBURG SYNDROME OR MUSCLE-EYE-BRAIN DISEASE, FKRP-RELATED; MUSCULAR DYSTROPHY-DYSTROGLYCANOPATHY (CONGENITAL WITH BRAIN AND EYE ANOMALIES), TYPE A, 5. Identifiers: Orphanet 588, Orphanet 899, MedGen C3150413, MONDO:0013157, OMIM 613153.

Allele frequency attached by ClinVar (database versions not stated): gnomAD exomes 0.00001 and 0.00004; ExAC 0.00003; gnomAD 0.00003 and 0.00004; TOPMed 0.00003.

Submissions (5):

Labcorp Genetics (formerly Invitae), Labcorp
Classification: Uncertain significance for Walker-Warburg congenital muscular dystrophy. Last evaluated: 2025-11-27. Review status: criteria provided, single submitter. Criteria: Invitae Variant Classification Sherloc (09022015). Collection method: clinical testing. Allele origin: germline.
Comment: This sequence change replaces alanine, which is neutral and non-polar, with valine, which is neutral and non-polar, at codon 459 of the FKRP protein (p.Ala459Val). This variant is present in population databases (rs749109905, gnomAD 0.03%). This missense change has been observed in individual(s) with limb-girdle muscular dystrophy, type 2I (PMID: 30564623, 39678382). ClinVar contains an entry for this variant (Variation ID: 197344). Invitae Evidence Modeling of protein sequence and biophysical properties (such as structural, functional, and spatial information, amino acid conservation, physicochemical variation, residue mobility, and thermodynamic stability) has been performed for this missense variant. However, the output from this modeling did not meet the statistical confidence thresholds required to predict the impact of this variant on FKRP protein function. In summary, the available evidence is currently insufficient to determine the role of this variant in disease. Therefore, it has been classified as a Variant of Uncertain Significance.

Ambry Genetics
Classification: Uncertain significance for Cardiovascular phenotype. Last evaluated: 2024-08-21. Review status: criteria provided, single submitter. Criteria: Ambry Variant Classification Scheme 2023. Collection method: clinical testing. Allele origin: germline.
Comment: The p.A459V variant (also known as c.1376C>T), located in coding exon 1 of the FKRP gene, results from a C to T substitution at nucleotide position 1376. The alanine at codon 459 is replaced by valine, an amino acid with similar properties. This alteration has been reported in a limb girdle muscular dystrophy cohort (Nallamilli BRR et al. Ann Clin Transl Neurol, 2018 Dec;5:1574-1587). This amino acid position is highly conserved in available vertebrate species. In addition, the in silico prediction for this alteration is inconclusive. Since supporting evidence is limited at this time, the clinical significance of this alteration remains unclear.

Fulgent Genetics
Classification: Uncertain significance for Muscular dystrophy-dystroglycanopathy (congenital with brain and eye anomalies), type A1; Muscular dystrophy-dystroglycanopathy type B5; Autosomal recessive limb-girdle muscular dystrophy type 2I; Muscular dystrophy-dystroglycanopathy (congenital with brain and eye anomalies), type A5. Last evaluated: 2021-10-28. Review status: criteria provided, single submitter. Criteria: ACMG Guidelines, 2015. Collection method: clinical testing. Allele origin: unknown.

Eurofins Ntd Llc (ga)
Classification: Uncertain significance. Last evaluated: 2017-01-13. Review status: criteria provided, single submitter. Criteria: EGL Classification Definitions 2015. Collection method: clinical testing. Allele origin: germline. Observed: 3 variant alleles, 3 heterozygotes.

Natera, Inc.
Classification: Uncertain significance for Limb-girdle muscular dystrophy type 2I. Last evaluated: 2019-10-28. Review status: no assertion criteria provided. Collection method: clinical testing. Allele origin: germline. Not counted in ClinVar's aggregate classification.

Literature cited by the submitters: PubMed 30564623 (cited by Labcorp Genetics (formerly Invitae), Labcorp and Ambry Genetics); PubMed 39678382 (cited by Labcorp Genetics (formerly Invitae), Labcorp).

NM_024301.5(FKRP):c.1376C>T (p.Ala459Val)

Gene: FKRP (fukutin related protein; plus strand). Cytogenetic location: 19q13.32.
Variant type: single nucleotide variant.
Coding change: c.1376C>T on transcript NM_024301.5 (MANE Select); coding-DNA position 1376, C replaced by T.
Protein change: p.Ala459Val; replaces alanine 459 with valine.
Molecular consequence: missense variant.
Genome position (GRCh38, 1-based): chr19:46,756,826, C>T. VCF-style: chr19-46756826-C-T. GRCh37 (hg19) VCF-style: chr19-47260083-C-T.
Other names: c.1376C>T, p.Ala459Val (NM_001039885.3); short protein forms A459V.
Identifiers: ClinVar variation 197344 (VCV000197344.13), dbSNP rs749109905, ClinGen allele CA245430.